The following is an entry in ClinVar:

NM_001018115.3(FANCD2):c.2022-5C>A

Genes: FANCD2 (FA complementation group D2; plus strand), LOC107303338 (3p25 FANCD2 Alu-mediated recombination region; plus strand). Cytogenetic location: 3p25.3.
Variant type: single nucleotide variant.
Coding change: c.2022-5C>A on transcript NM_001018115.3 (MANE Select); 5 bases into the intron before coding-DNA position 2022, C replaced by A.
Molecular consequence: intron variant.
Genome position (GRCh38, 1-based): chr3:10,064,724, C>A. VCF-style: chr3-10064724-C-A. GRCh37 (hg19) VCF-style: chr3-10106408-C-A.
Other names: c.2022-5C>A (NM_001319984.2, NM_033084.6, NM_001374254.1); c.1911-5C>A (NM_001374253.1).
Identifiers: ClinVar variation 2417397 (VCV002417397.6), dbSNP rs4019784, ClinGen allele CA2249942.
Genomic context (GRCh38, chr3:10,064,724, plus strand): 5'-GTGGTTTTCCCTGTAGCCTTGCGTATTCCTGAGCTGCAACATCAGATTCTGGTTTTTCTC[C>A]GCAGTGACTTTCCATTTCCTGTGAAAGCACTGTACGGACTGGAAGAATACGACACTCAGG-3'

ClinVar aggregate classification (germline): Uncertain significance (1 of 4 stars; one submission).

Conditions:
Fanconi anemia (FA). Also called: Fanconi's anemia. Identifiers: Orphanet 84, MedGen C0015625, MeSH D005199, MONDO:0019391.

Allele frequency attached by ClinVar (database versions not stated): TOPMed 0.00001; gnomAD 0.00002; gnomAD exomes 0.00002.
gnomAD v4.1: 32 of 1,551,104 alleles (0.0021%); highest among the groups gnomAD compares: South Asian, 0.032%; no homozygotes.

Submission:

Labcorp Genetics (formerly Invitae), Labcorp
Classification: Uncertain significance for Fanconi anemia. Last evaluated: 2023-11-27. Review status: criteria provided, single submitter. Criteria: Invitae Variant Classification Sherloc (09022015). Collection method: clinical testing. Allele origin: germline.
Comment: This sequence change falls in intron 22 of the FANCD2 gene. It does not directly change the encoded amino acid sequence of the FANCD2 protein. This variant is present in population databases (rs4019784, gnomAD 0.03%). This variant has not been reported in the literature in individuals affected with FANCD2-related conditions. ClinVar contains an entry for this variant (Variation ID: 2417397). Algorithms developed to predict the effect of sequence changes on RNA splicing suggest that this variant may disrupt the consensus splice site. In summary, the available evidence is currently insufficient to determine the role of this variant in disease. Therefore, it has been classified as a Variant of Uncertain Significance.